The following is an entry in ClinVar:

ClinVar aggregate classification (germline): Uncertain significance. Review status: criteria provided, multiple submitters, no conflicts (2 of 4 stars). 2 submissions from 2 submitters: Uncertain significance (2). Last evaluated 2025-10-17.

Allele frequency attached by ClinVar (database versions not stated): gnomAD 0.00001; TOPMed 0.00001.
gnomAD v4.1: 7 of 1,614,062 alleles (0.00043%); highest among the groups gnomAD compares: Non-Finnish European, 0.00059%; no homozygotes.

Submissions (2):

Labcorp Genetics (formerly Invitae), Labcorp
Classification: Uncertain significance. Last evaluated: 2025-10-17. Review status: criteria provided, single submitter. Criteria: Invitae Variant Classification Sherloc (09022015). Collection method: clinical testing. Allele origin: germline.
Comment: This sequence change replaces aspartic acid, which is acidic and polar, with alanine, which is neutral and non-polar, at codon 38 of the TEAD1 protein (p.Asp38Ala). This variant is present in population databases (rs777001341, gnomAD 0.002%). This variant has not been reported in the literature in individuals affected with TEAD1-related conditions. ClinVar contains an entry for this variant (Variation ID: 1492271). An algorithm developed to predict the effect of missense changes on protein structure and function (PolyPhen-2) suggests that this variant is likely to be tolerated. In summary, the available evidence is currently insufficient to determine the role of this variant in disease. Therefore, it has been classified as a Variant of Uncertain Significance.

Blueprint Genetics
Classification: Uncertain significance. Last evaluated: 2023-05-02. Review status: criteria provided, single submitter. Criteria: ACMG Guidelines, 2015. Collection method: clinical testing. Allele origin: germline.

NM_021961.6(TEAD1):c.113A>C (p.Asp38Ala)

Gene: TEAD1 (TEA domain transcription factor 1; plus strand). Cytogenetic location: 11p15.3.
Variant type: single nucleotide variant.
Coding change: c.113A>C on transcript NM_021961.6 (MANE Select); coding-DNA position 113, A replaced by C.
Protein change: p.Asp38Ala; replaces aspartic acid 38 with alanine.
Molecular consequence: missense variant.
Genome position (GRCh38, 1-based): chr11:12,764,345, A>C. VCF-style: chr11-12764345-A-C. GRCh37 (hg19) VCF-style: chr11-12785892-A-C.
Other names: short protein forms D38A.
Identifiers: ClinVar variation 1492271 (VCV001492271.9), dbSNP rs777001341, ClinGen allele CA5891476.
Genomic context (GRCh38, chr11:12,764,345, plus strand): 5'-GGATGAGTGACTCTGCAGATAAGCCAATTGACAATGATGCAGAAGGGGTCTGGAGCCCCG[A>C]CATCGAGCAAAGCTTTCAGGAGGCCCTGGCTATCTATCCACCATGTGGGAGGAGGAAAAT-3'
Protein context (NP_068780.2, residues 28-48): DNDAEGVWSP[Asp38Ala]IEQSFQEALA